The following is an entry in ClinVar:

NM_001127208.3(TET2):c.2129C>G (p.Thr710Ser)

Genes: TET2 (tet methylcytosine dioxygenase 2; plus strand), TET2-AS1 (TET2 antisense RNA 1; minus strand). Cytogenetic location: 4q24.
Variant type: single nucleotide variant.
Coding change: c.2129C>G on transcript NM_001127208.3 (MANE Select); coding-DNA position 2129, C replaced by G.
Protein change: p.Thr710Ser; replaces threonine 710 with serine.
Molecular consequence: missense variant.
Genome position (GRCh38, 1-based): chr4:105,236,071, C>G. VCF-style: chr4-105236071-C-G. GRCh37 (hg19) VCF-style: chr4-106157228-C-G.
Other names: c.2129C>G, p.Thr710Ser (NM_017628.4); short protein forms T710S.
Identifiers: ClinVar variation 4865603 (VCV004865603.1).

ClinVar aggregate classification (germline): Uncertain significance (1 of 4 stars; one submission).

Submission:

Ambry Genetics
Classification: Uncertain significance. Last evaluated: 2026-06-05. Review status: criteria provided, single submitter. Criteria: Ambry Variant Classification Scheme 2023. Collection method: clinical testing. Allele origin: germline.
Comment: The p.T710S variant (also known as c.2129C>G), located in coding exon 1 of the TET2 gene, results from a C to G substitution at nucleotide position 2129. The threonine at codon 710 is replaced by serine, an amino acid with similar properties. This amino acid position is conserved. In addition, this alteration is predicted to be tolerated by in silico analysis. Based on the available evidence, the clinical significance of this variant remains unclear.